The following is an entry in ClinVar:

ClinVar aggregate classification (germline): Uncertain significance. Review status: criteria provided, multiple submitters, no conflicts (2 of 4 stars). 3 submissions from 3 submitters: Uncertain significance (3). Last evaluated 2025-02-09.

Conditions:
Cardiovascular phenotype. Identifiers: MedGen CN230736.
RASopathy. Also called: rasopathies; Noonan spectrum disorder. Identifiers: Orphanet 536391, MedGen C5555857, MONDO:0021060.
Noonan syndrome-like disorder with loose anagen hair 1 (NSLH1). Also called: TOSTI SYNDROME; MAZZANTI SYNDROME. Identifiers: Orphanet 2701, MedGen C4478716, MONDO:0054637, OMIM 607721.

Allele frequency attached by ClinVar (database versions not stated): gnomAD exomes below 0.00001; ExAC 0.00001; TOPMed 0.00001.
gnomAD v4.1: 2 of 1,614,036 alleles (0.00012%); highest among the groups gnomAD compares: South Asian, 0.0011%; no homozygotes.

Submissions (3):

Ambry Genetics
Classification: Uncertain significance for Cardiovascular phenotype. Last evaluated: 2025-02-09. Review status: criteria provided, single submitter. Criteria: Ambry Variant Classification Scheme 2023. Collection method: clinical testing. Allele origin: germline.
Comment: The p.D49N variant (also known as c.145G>A), located in coding exon 1 of the SHOC2 gene, results from a G to A substitution at nucleotide position 145. The aspartic acid at codon 49 is replaced by asparagine, an amino acid with highly similar properties. This amino acid position is conserved. In addition, this alteration is predicted to be tolerated by in silico analysis. Based on the available evidence, the clinical significance of this variant remains unclear.

Labcorp Genetics (formerly Invitae), Labcorp
Classification: Uncertain significance for RASopathy. Last evaluated: 2023-05-30. Review status: criteria provided, single submitter. Criteria: Invitae Variant Classification Sherloc (09022015). Collection method: clinical testing. Allele origin: germline.
Comment: Advanced modeling of protein sequence and biophysical properties (such as structural, functional, and spatial information, amino acid conservation, physicochemical variation, residue mobility, and thermodynamic stability) performed at Invitae indicates that this missense variant is not expected to disrupt SHOC2 protein function. This variant has not been reported in the literature in individuals affected with SHOC2-related conditions. This variant is present in population databases (rs746093487, gnomAD 0.003%). This sequence change replaces aspartic acid, which is acidic and polar, with asparagine, which is neutral and polar, at codon 49 of the SHOC2 protein (p.Asp49Asn). In summary, the available evidence is currently insufficient to determine the role of this variant in disease. Therefore, it has been classified as a Variant of Uncertain Significance.

St. Jude Molecular Pathology, St. Jude Children's Research Hospital
Classification: Uncertain significance for Noonan syndrome-like disorder with loose anagen hair 1. Last evaluated: 2023-04-03. Review status: criteria provided, single submitter. Criteria: St. Jude Assertion Criteria 2020. Collection method: clinical testing. Allele origin: germline.
Comment: The SHOC2 c.145G>A (p.Asp49Asn) missense change has a maximum subpopulation frequency of 0.003% in gnomAD v2.1.1. The in silico tool REVEL is inconclusive about a pathogenic or benign effect of this variant on protein function, and to our knowledge functional studies have not been performed. To our knowledge, this variant has not been reported in individuals with Noonan syndrome-like disorder. In summary, the evidence currently available is insufficient to determine the clinical significance of this variant. It has therefore been classified as of uncertain significance.

NM_007373.4(SHOC2):c.145G>A (p.Asp49Asn)

Gene: SHOC2 (SHOC2 leucine rich repeat scaffold protein; plus strand). Cytogenetic location: 10q25.2.
Variant type: single nucleotide variant.
Coding change: c.145G>A on transcript NM_007373.4 (MANE Select); coding-DNA position 145, G replaced by A.
Protein change: p.Asp49Asn; replaces aspartic acid 49 with asparagine.
Molecular consequence: missense variant.
Genome position (GRCh38, 1-based): chr10:110,964,503, G>A. VCF-style: chr10-110964503-G-A. GRCh37 (hg19) VCF-style: chr10-112724261-G-A.
Other names: c.145G>A, p.Asp49Asn (NM_001269039.3, NM_001324336.2, NM_001324337.2); short protein forms D49N.
Identifiers: ClinVar variation 2503516 (VCV002503516.5), dbSNP rs746093487, ClinGen allele CA5689558.